The following is an entry in ClinVar:

ClinVar aggregate classification (germline): Uncertain significance. Review status: criteria provided, multiple submitters, no conflicts (2 of 4 stars). 2 submissions from 2 submitters: Uncertain significance (2). Last evaluated 2022-05-30.

Conditions:
Hypertrophic cardiomyopathy. Also called: HYPERTROPHIC MYOCARDIOPATHY. Identifiers: Orphanet 217569, MedGen C0007194, MeSH D002312, MONDO:0005045, HP:0001639.
Cardiac arrhythmia. Also called: Arrhythmia; Cardiac rhythm disease. Identifiers: MedGen C0003811, MONDO:0007263, HP:0011675.

Submissions (2):

Labcorp Genetics (formerly Invitae), Labcorp
Classification: Uncertain significance for Hypertrophic cardiomyopathy. Last evaluated: 2022-05-30. Review status: criteria provided, single submitter. Criteria: Invitae Variant Classification Sherloc (09022015). Collection method: clinical testing. Allele origin: germline.
Comment: In summary, the available evidence is currently insufficient to determine the role of this variant in disease. Therefore, it has been classified as a Variant of Uncertain Significance. This variant is found within a region of MYH7 between codons 181 and 937 that contains the majority of the myosin head domain. Missense variants in this region have been shown to be significantly overrepresented in individuals with hypertrophic cardiomyopathy (PMID: 27532257). Algorithms developed to predict the effect of missense changes on protein structure and function are either unavailable or do not agree on the potential impact of this missense change (SIFT: "Deleterious"; PolyPhen-2: "Probably Damaging"; Align-GVGD: "Class C0"). ClinVar contains an entry for this variant (Variation ID: 374074). This missense change has been observed in individual(s) with hypertrophic cardiomyopathy (PMID: 24793961). This variant is not present in population databases (gnomAD no frequency). This sequence change replaces asparagine, which is neutral and polar, with lysine, which is basic and polar, at codon 408 of the MYH7 protein (p.Asn408Lys).

Centre for Mendelian Genomics, University Medical Centre Ljubljana
Classification: Uncertain significance for Cardiac arrhythmia; Hypertrophic cardiomyopathy. Last evaluated: 2014-01-08. Review status: criteria provided, single submitter. Criteria: ACMG Guidelines, 2015. Collection method: clinical testing. Allele origin: unknown. Affected: yes.

Literature cited by the submitters: PubMed 27532257 (cited by Labcorp Genetics (formerly Invitae), Labcorp); PubMed 24793961 (cited by Labcorp Genetics (formerly Invitae), Labcorp).

NM_000257.4(MYH7):c.1224T>A (p.Asn408Lys)

Gene: MYH7 (myosin heavy chain 7; minus strand). Cytogenetic location: 14q11.2.
Variant type: single nucleotide variant.
Coding change: c.1224T>A on transcript NM_000257.4 (MANE Select); coding-DNA position 1224, T replaced by A.
Protein change: p.Asn408Lys; replaces asparagine 408 with lysine.
Molecular consequence: missense variant.
Genome position (GRCh38, 1-based): chr14:23,429,262, A>T on the plus strand (T>A on the coding strand, the complement: MYH7 is on the minus strand). VCF-style: chr14-23429262-A-T. GRCh37 (hg19) VCF-style: chr14-23898471-A-T.
Other names: short protein forms N408K.
Identifiers: ClinVar variation 374074 (VCV000374074.7), dbSNP rs1057518877, ClinGen allele CA16043482.